The following is an entry in ClinVar:

ClinVar aggregate classification (germline): Pathogenic (1 of 4 stars; one submission).

Submission:

Labcorp Genetics (formerly Invitae), Labcorp
Classification: Pathogenic. Last evaluated: 2023-10-13. Review status: criteria provided, single submitter. Criteria: Invitae Variant Classification Sherloc (09022015). Collection method: clinical testing. Allele origin: germline.
Comment: This sequence change creates a premature translational stop signal (p.Ile2630*) in the DNAH9 gene. It is expected to result in an absent or disrupted protein product. Loss-of-function variants in DNAH9 are known to be pathogenic (PMID: 30471718). This variant is not present in population databases (gnomAD no frequency). This variant has not been reported in the literature in individuals affected with DNAH9-related conditions. ClinVar contains an entry for this variant (Variation ID: 1971238). For these reasons, this variant has been classified as Pathogenic.

Literature cited by the submitters: PubMed 30471718.

NM_001372.4(DNAH9):c.7888_7903del (p.Ile2629_Ile2630insTer)

Gene: DNAH9 (dynein axonemal heavy chain 9; plus strand). Cytogenetic location: 17p12.
Variant type: Deletion.
Coding change: c.7888_7903del on transcript NM_001372.4 (MANE Select); coding-DNA positions 7888 to 7903, 16 bases deleted (ATCCTCACTCAGCATC).
Protein change: p.Ile2629_Ile2630insTer.
Molecular consequence: nonsense.
Genome position (GRCh38, 1-based): chr17:11,784,366-11,784,381, ATCCTCACTCAGCATC deleted; deleting any 16 consecutive bases within chr17:11,784,359-11,784,381 gives the same sequence; the c. name uses the placement nearest the transcript's 3' end. VCF-style (leftmost placement, unchanged base first): chr17-11784358-ACAGCATCATCCTCACT-A. GRCh37 (hg19) VCF-style: chr17-11687675-ACAGCATCATCCTCACT-A.
Identifiers: ClinVar variation 1971238 (VCV001971238.5), dbSNP rs2544639686, ClinGen allele CA2580092542.